The following is an entry in ClinVar:

NM_013275.6(ANKRD11):c.6377G>C (p.Gly2126Ala)

Gene: ANKRD11 (ankyrin repeat domain 11; minus strand). Cytogenetic location: 16q24.3.
Variant type: single nucleotide variant.
Coding change: c.6377G>C on transcript NM_013275.6 (MANE Select); coding-DNA position 6377, G replaced by C.
Protein change: p.Gly2126Ala; replaces glycine 2126 with alanine.
Molecular consequence: missense variant.
Genome position (GRCh38, 1-based): chr16:89,280,165, C>G on the plus strand (G>C on the coding strand, the complement: ANKRD11 is on the minus strand). VCF-style: chr16-89280165-C-G. GRCh37 (hg19) VCF-style: chr16-89346573-C-G.
Other names: c.6377G>C, p.Gly2126Ala (NM_001256182.2, NM_001256183.2); short protein forms G2126A.
Identifiers: ClinVar variation 1753140 (VCV001753140.3), dbSNP rs763100566, ClinGen allele CA397151271.

ClinVar aggregate classification (germline): Uncertain significance. Review status: criteria provided, multiple submitters, no conflicts (2 of 4 stars). 2 submissions from 2 submitters: Uncertain significance (2). Last evaluated 2025-03-16.

Conditions:
KBG syndrome (KBGS). Also called: ANKRD11-Related KBG Syndrome. Identifiers: Orphanet 2332, MedGen C0220687, MONDO:0007846, OMIM 148050.
Inborn genetic diseases. Identifiers: MedGen C0950123, MeSH D030342.

gnomAD v4.1: 1 of 1,609,740 alleles (0.000062%); highest among the groups gnomAD compares: Non-Finnish European, 0.000085%; no homozygotes.

Submissions (2):

Labcorp Genetics (formerly Invitae), Labcorp
Classification: Uncertain significance for KBG syndrome. Last evaluated: 2025-03-16. Review status: criteria provided, single submitter. Criteria: Invitae Variant Classification Sherloc (09022015). Collection method: clinical testing. Allele origin: germline.
Comment: This sequence change replaces glycine, which is neutral and non-polar, with alanine, which is neutral and non-polar, at codon 2126 of the ANKRD11 protein (p.Gly2126Ala). This variant is not present in population databases (gnomAD no frequency). This variant has not been reported in the literature in individuals affected with ANKRD11-related conditions. ClinVar contains an entry for this variant (Variation ID: 1753140). Invitae Evidence Modeling of protein sequence and biophysical properties (such as structural, functional, and spatial information, amino acid conservation, physicochemical variation, residue mobility, and thermodynamic stability) indicates that this missense variant is not expected to disrupt ANKRD11 protein function with a negative predictive value of 95%. In summary, the available evidence is currently insufficient to determine the role of this variant in disease. Therefore, it has been classified as a Variant of Uncertain Significance.

Ambry Genetics
Classification: Uncertain significance for Inborn genetic diseases. Last evaluated: 2020-01-06. Review status: criteria provided, single submitter. Criteria: Ambry Variant Classification Scheme 2023. Collection method: clinical testing. Allele origin: germline.
Comment: The p.G2126A variant (also known as c.6377G>C), located in coding exon 7 of the ANKRD11 gene, results from a G to C substitution at nucleotide position 6377. The glycine at codon 2126 is replaced by alanine, an amino acid with similar properties. This amino acid position is poorly conserved in available vertebrate species. In addition, this alteration is predicted to be tolerated by in silico analysis. Since supporting evidence is limited at this time, the clinical significance of this alteration remains unclear.